The following is an entry in ClinVar:

ClinVar aggregate classification (germline): Likely pathogenic (1 of 4 stars; one submission).

Conditions:
Griscelli syndrome type 2 (GS2). Also called: PARTIAL ALBINISM AND IMMUNODEFICIENCY SYNDROME; GRISCELLI SYNDROME WITH HEMOPHAGOCYTIC SYNDROME; PAID SYNDROME. Identifiers: Orphanet 381, Orphanet 79477, MedGen C1868679, MONDO:0011872, OMIM 607624.

Submission:

Labcorp Genetics (formerly Invitae), Labcorp
Classification: Likely pathogenic for Griscelli syndrome type 2. Last evaluated: 2023-05-17. Review status: criteria provided, single submitter. Criteria: Invitae Variant Classification Sherloc (09022015). Collection method: clinical testing. Allele origin: germline.
Comment: This variant has not been reported in the literature in individuals affected with RAB27A-related conditions. In summary, the currently available evidence indicates that the variant is pathogenic, but additional data are needed to prove that conclusively. Therefore, this variant has been classified as Likely Pathogenic. This variant disrupts the p.Ala87 amino acid residue in RAB27A. Other variant(s) that disrupt this residue have been determined to be pathogenic (PMID: 16278825, 25544030, 26880764). This suggests that this residue is clinically significant, and that variants that disrupt this residue are likely to be disease-causing. Advanced modeling of protein sequence and biophysical properties (such as structural, functional, and spatial information, amino acid conservation, physicochemical variation, residue mobility, and thermodynamic stability) performed at Invitae indicates that this missense variant is expected to disrupt RAB27A protein function. This variant is not present in population databases (gnomAD no frequency). This sequence change replaces alanine, which is neutral and non-polar, with serine, which is neutral and polar, at codon 87 of the RAB27A protein (p.Ala87Ser).

Literature cited by the submitters: PubMed 16278825; PubMed 25544030; PubMed 26880764.

NM_183235.3(RAB27A):c.259G>T (p.Ala87Ser)

Gene: RAB27A (RAB27A, member RAS oncogene family; minus strand). Cytogenetic location: 15q21.3.
Variant type: single nucleotide variant.
Coding change: c.259G>T on transcript NM_183235.3 (MANE Select); coding-DNA position 259, G replaced by T.
Protein change: p.Ala87Ser; replaces alanine 87 with serine.
Molecular consequence: missense variant.
Genome position (GRCh38, 1-based): chr15:55,228,693, C>A on the plus strand (G>T on the coding strand, the complement: RAB27A is on the minus strand). VCF-style: chr15-55228693-C-A. GRCh37 (hg19) VCF-style: chr15-55520891-C-A.
Other names: c.259G>T, p.Ala87Ser (NM_004580.5, NM_183234.3, NM_183236.3); short protein forms A87S.
Identifiers: ClinVar variation 2865253 (VCV002865253.3), dbSNP rs104894497, ClinGen allele CA392530512.